The following is an entry in ClinVar:

NM_014458.4(KLHL20):c.500C>T (p.Pro167Leu)

Gene: KLHL20 (kelch like family member 20; plus strand). Cytogenetic location: 1q25.1.
Variant type: single nucleotide variant.
Coding change: c.500C>T on transcript NM_014458.4 (MANE Select); coding-DNA position 500, C replaced by T.
Protein change: p.Pro167Leu; replaces proline 167 with leucine.
Molecular consequence: missense variant.
Genome position (GRCh38, 1-based): chr1:173,734,189, C>T. VCF-style: chr1-173734189-C-T. GRCh37 (hg19) VCF-style: chr1-173703328-C-T.
Other names: short protein forms P167L.
Identifiers: ClinVar variation 3252817 (VCV003252817.1), dbSNP rs2525380409.

ClinVar aggregate classification (germline): Uncertain significance (1 of 4 stars; one submission).

Submission:

GeneDx
Classification: Uncertain significance. Last evaluated: 2023-04-18. Review status: criteria provided, single submitter. Criteria: GeneDx Variant Classification Process June 2021. Collection method: clinical testing. Allele origin: germline. Affected: yes.
Comment: Not observed at significant frequency in large population cohorts (gnomAD); In silico analysis supports that this missense variant has a deleterious effect on protein structure/function; Has not been previously published as pathogenic or benign to our knowledge